The following is an entry in ClinVar:

ClinVar aggregate classification (germline): Uncertain significance. Review status: criteria provided, multiple submitters, no conflicts (2 of 4 stars). 5 submissions from 5 submitters: Uncertain significance (4). 1 of the submissions does not count toward it. Last evaluated 2025-08-22.

Conditions:
Microcephaly, normal intelligence and immunodeficiency (NBS). Also called: Microcephaly with normal intelligence immunodeficiency and lymphoreticular malignancies; Nonsyndromal microcephaly autosomal recessive with normal intelligence; Seemanova syndrome 2; Ataxia telangiectasia variant V1; BERLIN BREAKAGE SYNDROME; Immunodeficiency, microcephaly with normal intelligence. Identifiers: Orphanet 647, MedGen C0398791, MONDO:0009623, OMIM 251260.
Hereditary cancer-predisposing syndrome. Also called: Neoplastic Syndromes, Hereditary; Hereditary Cancer Syndrome; Tumor predisposition; Hereditary neoplastic syndrome. Identifiers: Orphanet 140162, MedGen C0027672, MeSH D009386, MONDO:0015356.

Allele frequency attached by ClinVar (database versions not stated): gnomAD exomes below 0.00001 and 0.00001; TOPMed below 0.00001; gnomAD 0.00001; ExAC 0.00004.
gnomAD v4.1: 5 of 1,564,780 alleles (0.00032%); highest among the groups gnomAD compares: Admixed American, 0.0085%; no homozygotes.

Submissions (5):

Ambry Genetics
Classification: Uncertain significance for Hereditary cancer-predisposing syndrome. Last evaluated: 2025-08-22. Review status: criteria provided, single submitter. Criteria: Ambry Variant Classification Scheme 2023. Collection method: clinical testing. Allele origin: germline.
Comment: The p.E619A variant (also known as c.1856A>C), located in coding exon 12 of the NBN gene, results from an A to C substitution at nucleotide position 1856. The glutamic acid at codon 619 is replaced by alanine, an amino acid with dissimilar properties. This amino acid position is well conserved in available vertebrate species. In addition, this alteration is predicted to be tolerated by in silico analysis. Since supporting evidence is limited at this time, the clinical significance of this alteration remains unclear.

Labcorp Genetics (formerly Invitae), Labcorp
Classification: Uncertain significance for Microcephaly, normal intelligence and immunodeficiency. Last evaluated: 2025-07-17. Review status: criteria provided, single submitter. Criteria: Invitae Variant Classification Sherloc (09022015). Collection method: clinical testing. Allele origin: germline.
Comment: This sequence change replaces glutamic acid, which is acidic and polar, with alanine, which is neutral and non-polar, at codon 619 of the NBN protein (p.Glu619Ala). This variant is present in population databases (rs763546746, gnomAD 0.009%). This variant has not been reported in the literature in individuals affected with NBN-related conditions. ClinVar contains an entry for this variant (Variation ID: 801231). An algorithm developed to predict the effect of missense changes on protein structure and function (PolyPhen-2) suggests that this variant is likely to be tolerated. In summary, the available evidence is currently insufficient to determine the role of this variant in disease. Therefore, it has been classified as a Variant of Uncertain Significance.

Genome-Nilou Lab
Classification: Uncertain significance for Microcephaly, normal intelligence and immunodeficiency. Last evaluated: 2021-11-07. Review status: criteria provided, single submitter. Criteria: ACMG Guidelines, 2015. Collection method: clinical testing. Allele origin: germline. Affected: no.

Quest Diagnostics Nichols Institute San Juan Capistrano
Classification: Uncertain significance. Last evaluated: 2019-05-22. Review status: criteria provided, single submitter. Criteria: Quest Diagnostics criteria. Collection method: clinical testing. Allele origin: germline.

Natera, Inc.
Classification: Uncertain significance for Nijmegen breakage syndrome. Last evaluated: 2021-10-18. Review status: no assertion criteria provided. Collection method: clinical testing. Allele origin: germline. Not counted in ClinVar's aggregate classification.

NM_002485.5(NBN):c.1856A>C (p.Glu619Ala)

Genes: NBN (nibrin; minus strand), LOC126860438 (MED14-independent group 3 enhancer GRCh37_chr8:90959982-90961181; plus strand). Cytogenetic location: 8q21.3.
Variant type: single nucleotide variant.
Coding change: c.1856A>C on transcript NM_002485.5 (MANE Select); coding-DNA position 1856, A replaced by C.
Protein change: p.Glu619Ala; replaces glutamic acid 619 with alanine.
Molecular consequence: missense variant.
Genome position (GRCh38, 1-based): chr8:89,947,882, T>G on the plus strand (A>C on the coding strand, the complement: NBN is on the minus strand). VCF-style: chr8-89947882-T-G. GRCh37 (hg19) VCF-style: chr8-90960110-T-G.
Other names: c.1610A>C, p.Glu537Ala (NM_001024688.3); short protein forms E537A, E619A.
Identifiers: ClinVar variation 801231 (VCV000801231.19), dbSNP rs763546746, ClinGen allele CA4802666.
Genomic context (GRCh38, chr8:89,947,882, plus strand): 5'-ACAGATATTTCTTTAGCTGACCATAGTGAGTCTTCCTTGAGTTCACGTTTCTTCCCAATT[T>G]CATTTTCTTGCTAAAGAAATAAAATAAAAAATACTGTTCATAGGAGTAATAAAATGGTAT-3'
Protein context (NP_002476.2, residues 609-629): PESSKISQEN[Glu619Ala]IGKKRELKED